The following is an entry in ClinVar:

NM_001270974.2(HYDIN):c.13479G>A (p.Pro4493=)

Gene: HYDIN (HYDIN axonemal central pair apparatus protein; minus strand). Cytogenetic location: 16q22.2.
Variant type: single nucleotide variant.
Coding change: c.13479G>A on transcript NM_001270974.2 (MANE Select); coding-DNA position 13479, G replaced by A.
Protein change: p.Pro4493=; no amino-acid change (proline 4493 retained).
Molecular consequence: synonymous variant.
Genome position (GRCh38, 1-based): chr16:70,834,087, C>T on the plus strand (G>A on the coding strand, the complement: HYDIN is on the minus strand). VCF-style: chr16-70834087-C-T. GRCh37 (hg19) VCF-style: chr16-70867990-C-T.
Identifiers: ClinVar variation 3341551 (VCV003341551.17).

ClinVar aggregate classification (germline): Benign/Likely benign. Review status: criteria provided, multiple submitters, no conflicts (2 of 4 stars). 2 submissions from 2 submitters: Benign (1); Likely benign (1). Last evaluated 2026-09-01.

gnomAD v4.1: 17,512 of 1,604,480 alleles (1.1%); highest among the groups gnomAD compares: Middle Eastern, 8.8%; 172 homozygotes.

Submissions (2):

CeGaT Center for Human Genetics Tuebingen
Classification: Benign. Last evaluated: 2026-09-01. Review status: criteria provided, single submitter. Criteria: CeGaT Center For Human Genetics Tuebingen Variant Classification Criteria Version 2. Collection method: clinical testing. Allele origin: germline. Affected: yes. Observed: 13 variant alleles.
Comment: HYDIN: BP4, BP7, BS1, BS2

Blueprint Genetics
Classification: Likely benign. Last evaluated: 2024-11-27. Review status: criteria provided, single submitter. Criteria: ACMG Guidelines, 2015. Collection method: clinical testing. Allele origin: germline.